The following is an entry in ClinVar:

NM_025081.3(NYNRIN):c.4052C>T (p.Thr1351Ile)

Gene: NYNRIN (NYN domain and retroviral integrase containing; plus strand). Cytogenetic location: 14q12.
Variant type: single nucleotide variant.
Coding change: c.4052C>T on transcript NM_025081.3 (MANE Select); coding-DNA position 4052, C replaced by T.
Protein change: p.Thr1351Ile; replaces threonine 1351 with isoleucine.
Molecular consequence: missense variant.
Genome position (GRCh38, 1-based): chr14:24,415,801, C>T. VCF-style: chr14-24415801-C-T. GRCh37 (hg19) VCF-style: chr14-24885007-C-T.
Other names: short protein forms T1351I.
Identifiers: ClinVar variation 3632847 (VCV003632847.2).

ClinVar aggregate classification (germline): Uncertain significance (1 of 4 stars; one submission).

gnomAD v4.1: 2 of 1,613,892 alleles (0.00012%); highest among the groups gnomAD compares: Non-Finnish European, 0.00017%; no homozygotes.

Submission:

Labcorp Genetics (formerly Invitae), Labcorp
Classification: Uncertain significance. Last evaluated: 2024-10-29. Review status: criteria provided, single submitter. Criteria: Invitae Variant Classification Sherloc (09022015). Collection method: clinical testing. Allele origin: germline.
Comment: This sequence change replaces threonine, which is neutral and polar, with isoleucine, which is neutral and non-polar, at codon 1351 of the NYNRIN protein (p.Thr1351Ile). This variant is not present in population databases (gnomAD no frequency). This variant has not been reported in the literature in individuals affected with NYNRIN-related conditions. Experimental studies and prediction algorithms are not available or were not evaluated, and the functional significance of this variant is currently unknown. In summary, the available evidence is currently insufficient to determine the role of this variant in disease. Therefore, it has been classified as a Variant of Uncertain Significance.